The following is an entry in ClinVar:

NM_002816.5(PSMD12):c.796-8T>C

Gene: PSMD12 (proteasome 26S subunit, non-ATPase 12; minus strand). Cytogenetic location: 17q24.2.
Variant type: single nucleotide variant.
Coding change: c.796-8T>C on transcript NM_002816.5 (MANE Select); 8 bases into the intron before coding-DNA position 796, T replaced by C.
Molecular consequence: intron variant.
Genome position (GRCh38, 1-based): chr17:67,345,865, A>G on the plus strand (T>C on the coding strand, the complement: PSMD12 is on the minus strand). VCF-style: chr17-67345865-A-G. GRCh37 (hg19) VCF-style: chr17-65341981-A-G.
Other names: c.736-8T>C (NM_174871.4); c.619-8T>C (NM_001316341.2).
Identifiers: ClinVar variation 4846915 (VCV004846915.1).

ClinVar aggregate classification (germline): Uncertain significance (1 of 4 stars; one submission).

Conditions:
Stankiewicz-Isidor syndrome (STISS). Identifiers: MedGen C4479599, MONDO:0054591, OMIM 617516.

gnomAD v4.1: 1 of 1,594,880 alleles (0.000063%); no homozygotes.

Submission:

Laboratorio de Genetica e Diagnostico Molecular, Hospital Israelita Albert Einstein
Classification: Uncertain significance for Stankiewicz-Isidor syndrome. Last evaluated: 2025-08-22. Review status: criteria provided, single submitter. Criteria: ACMG Guidelines, 2015. Collection method: clinical testing. Allele origin: germline. Affected: yes.
Comment: ACMG classification criteria: PM2 supporting, BP4 supporting